The following is an entry in ClinVar:

NM_003000.3(SDHB):c.73-2A>T

Gene: SDHB (succinate dehydrogenase complex iron sulfur subunit B; minus strand). Cytogenetic location: 1p36.13.
Variant type: single nucleotide variant.
Coding change: c.73-2A>T on transcript NM_003000.3 (MANE Select); the canonical splice acceptor site of the intron before coding-DNA position 73, A replaced by T.
Molecular consequence: splice acceptor variant.
Genome position (GRCh38, 1-based): chr1:17,044,890, T>A on the plus strand (A>T on the coding strand, the complement: SDHB is on the minus strand). VCF-style: chr1-17044890-T-A. GRCh37 (hg19) VCF-style: chr1-17371385-T-A.
Other names: c.73-2A>T (NM_001407361.1).
Identifiers: ClinVar variation 1508537 (VCV001508537.10), dbSNP rs1474282888, ClinGen allele CA338228461.

ClinVar aggregate classification (germline): Likely pathogenic. Review status: criteria provided, multiple submitters, no conflicts (2 of 4 stars). 3 submissions from 3 submitters: Likely pathogenic (3). Last evaluated 2025-11-02.

Conditions:
Hereditary pheochromocytoma and paraganglioma. Also called: Hereditary paragangliomas and pheochromocytomas; Hereditary Paraganglioma-Pheochromocytoma Syndromes; Hereditary pheochromocytoma-paraganglioma. Identifiers: Orphanet 29072, MedGen C4274332, MONDO:0017366.
Pheochromocytoma. Also called: MAX-Related Hereditary Paraganglioma-Pheochromocytoma Syndrome. Identifiers: Orphanet 29072, MedGen C0031511, MONDO:0008233, OMIM 171300, HP:0002666.
Pheochromocytoma/paraganglioma syndrome 4. Also called: PHEOCHROMOCYTOMA, FAMILIAL EXTRAADRENAL; CAROTID BODY TUMORS AND MULTIPLE EXTRAADRENAL PHEOCHROMOCYTOMAS; PARAGANGLIOMA, FAMILIAL MALIGNANT; PARAGANGLIOMAS, HEREDITARY EXTRAADRENAL; Paragangliomas 4; SDHB-Related Hereditary Paraganglioma-Pheochromocytoma Syndrome (Paragangliomas 4). Identifiers: Orphanet 29072, MedGen C1861848, MONDO:0007273, OMIM 115310.
Gastrointestinal stromal tumor. Also called: Gastrointestinal stromal tumor, somatic; Gastrointestinal stroma tumor. Identifiers: Orphanet 44890, MedGen C0238198, MeSH D046152, MONDO:0011719, OMIM 606764, HP:0100723.

Allele frequency attached by ClinVar (database versions not stated): gnomAD exomes below 0.00001.
gnomAD v4.1: 1 of 1,613,186 alleles (0.000062%); highest among the groups gnomAD compares: Non-Finnish European, 0.000085%; no homozygotes.

Submissions (3):

Labcorp Genetics (formerly Invitae), Labcorp
Classification: Likely pathogenic for Gastrointestinal stromal tumor; Pheochromocytoma/paraganglioma syndrome 4; Pheochromocytoma. Last evaluated: 2025-11-02. Review status: criteria provided, single submitter. Criteria: Invitae Variant Classification Sherloc (09022015). Collection method: clinical testing. Allele origin: germline.
Comment: This sequence change affects an acceptor splice site in intron 1 of the SDHB gene. It is expected to disrupt RNA splicing. Variants that disrupt the donor or acceptor splice site typically lead to a loss of protein function (PMID: 16199547), and loss-of-function variants in SDHB are known to be pathogenic (PMID: 19454582, 19802898). This variant is present in population databases (no rsID available, gnomAD 0.0009%). This variant has not been reported in the literature in individuals affected with SDHB-related conditions. ClinVar contains an entry for this variant (Variation ID: 1508537). Algorithms developed to predict the effect of sequence changes on RNA splicing suggest that this variant may disrupt the consensus splice site. In summary, the currently available evidence indicates that the variant is pathogenic, but additional data are needed to prove that conclusively. Therefore, this variant has been classified as Likely Pathogenic.

Department of Pathology and Laboratory Medicine, Sinai Health System
Classification: Likely pathogenic for hereditary pheochromocytoma-paraganglioma. Last evaluated: 2021-12-01. Review status: criteria provided, single submitter. Criteria: ACMG Guidelines, 2015. Collection method: clinical testing. Allele origin: germline.

Laboratory for Molecular Medicine, Mass General Brigham Personalized Medicine
Classification: Likely pathogenic for Hereditary pheochromocytoma and paraganglioma. Last evaluated: 2016-09-26. Review status: criteria provided, single submitter. Criteria: ACMG Guidelines, 2015. Collection method: clinical testing. Allele origin: germline. Inheritance: Autosomal dominant inheritance.
Comment: The c.73-2A>T variant has not been reported in individuals with hereditary paragangliomas and pheochromocytomas and was absent from large population studies. This variant occurs in the invariant region (+/- 1,2) of the splice consensus sequence and is predicted to cause altered splicing leading to an abnormal or absent protein. Heterozygous loss of funtion of the SDHB gene is an established disease mechanism in hereditary paragangliomas and pheochromocytomas. In summary, although additional studies are required to fully establish its clinical significance, the c.73-2A>T variant is likely pathogenic.

Literature cited by the submitters: PubMed 16199547 (cited by Labcorp Genetics (formerly Invitae), Labcorp); PubMed 19454582 (cited by Labcorp Genetics (formerly Invitae), Labcorp); PubMed 19802898 (cited by Labcorp Genetics (formerly Invitae), Labcorp).